The following is an entry in ClinVar:

NM_207037.2(TCF12):c.1226A>G (p.Gln409Arg)

Gene: TCF12 (transcription factor 12; plus strand). Cytogenetic location: 15q21.3.
Variant type: single nucleotide variant.
Coding change: c.1226A>G on transcript NM_207037.2 (MANE Select); coding-DNA position 1226, A replaced by G.
Protein change: p.Gln409Arg; replaces glutamine 409 with arginine.
Molecular consequence: missense variant. On other transcripts: intron variant (8).
Genome position (GRCh38, 1-based): chr15:57,252,458, A>G. VCF-style: chr15-57252458-A-G. GRCh37 (hg19) VCF-style: chr15-57544656-A-G.
Other names: c.716A>G, p.Gln239Arg (NM_001306219.3); c.1189-804A>G (NM_001322157.3, NM_003205.4, NM_207038.2 and 1 more transcripts); c.1015-804A>G (NM_001322158.2); c.1225-804A>G (NM_001322164.2); c.679-804A>G (NM_207040.2); c.481-804A>G (NM_001306220.3); c.1226A>G, p.Gln409Arg (NM_001322151.2, NM_001322152.2, NM_001322159.3 and 3 more transcripts); c.569A>G, p.Gln190Arg (NM_001322154.2); and 1 more; short protein forms Q239R, Q351R, Q190R, Q409R.
Identifiers: ClinVar variation 5005438 (VCV005005438.2).
Genomic context (GRCh38, chr15:57,252,458, plus strand): 5'-CTGTTCTGTCTTGACTTTGCCAGAAAAATCGAGTTGAGCAGCAACTTCACGAGCATTTGC[A>G]AGATGCAATGTCCTTCTTAAAGGATGTCTGTGAGGTACTATTTCTTTTAGATGGTGCCTT-3'
Protein context (NP_996920.1, residues 399-419): RVEQQLHEHL[Gln409Arg]DAMSFLKDVC

ClinVar aggregate classification (germline): Uncertain significance (1 of 4 stars; one submission).

Conditions:
Hypogonadotropic hypogonadism 26 with or without anosmia (HH26). Identifiers: MedGen C5676903, MONDO:0030534, OMIM 619718.
TCF12-related craniosynostosis. Also called: Craniosynostosis 3. Identifiers: Orphanet 35098, Orphanet 35099, Orphanet 672979, MedGen C3715051, MONDO:0014128, OMIM 615314.

Submission:

Juno Genomics, Hangzhou Juno Genomics, Inc
Classification: Uncertain significance for TCF12-related craniosynostosis; Hypogonadotropic hypogonadism 26 with or without anosmia. Review status: criteria provided, single submitter. Criteria: ACMG Guidelines, 2015. Collection method: clinical testing. Allele origin: germline.
Comment: Absent from controls (or at extremely low frequency if recessive) in Genome Aggregation Database.;Multiple lines of computational evidence suggest no impact on gene or gene product.